The following is an entry in ClinVar:

NM_000336.3(SCNN1B):c.496C>T (p.Leu166Phe)

Gene: SCNN1B (sodium channel epithelial 1 subunit beta; plus strand). Cytogenetic location: 16p12.2.
Variant type: single nucleotide variant.
Coding change: c.496C>T on transcript NM_000336.3 (MANE Select); coding-DNA position 496, C replaced by T.
Protein change: p.Leu166Phe; replaces leucine 166 with phenylalanine.
Molecular consequence: missense variant.
Genome position (GRCh38, 1-based): chr16:23,352,985, C>T. VCF-style: chr16-23352985-C-T. GRCh37 (hg19) VCF-style: chr16-23364306-C-T.
Other names: c.496C>T, p.Leu166Phe (NM_001410900.1); short protein forms L166F.
Identifiers: ClinVar variation 4985732 (VCV004985732.1).

ClinVar aggregate classification (germline): Uncertain significance (1 of 4 stars; one submission).

Conditions:
SCNN1B-related disorder. Also called: SCNN1B-related condition.

Submission:

PreventionGenetics, part of Exact Sciences
Classification: Uncertain significance for SCNN1B-related condition. Last evaluated: 2026-06-10. Review status: criteria provided, single submitter. Criteria: ACMG Guidelines, 2015. Collection method: clinical testing. Allele origin: germline.
Comment: The SCNN1B c.496C>T variant is predicted to result in the amino acid substitution p.Leu166Phe. To our knowledge, this variant has not been reported in the literature or in a large population database (gnomAD), indicating this variant is rare. At this time, the clinical significance of this variant is uncertain due to the absence of conclusive functional and genetic evidence.